The following is an entry in ClinVar:

NM_000302.4(PLOD1):c.706C>A (p.Leu236Ile)

Gene: PLOD1 (procollagen-lysine,2-oxoglutarate 5-dioxygenase 1; plus strand). Cytogenetic location: 1p36.22.
Variant type: single nucleotide variant.
Coding change: c.706C>A on transcript NM_000302.4 (MANE Select); coding-DNA position 706, C replaced by A.
Protein change: p.Leu236Ile; replaces leucine 236 with isoleucine.
Molecular consequence: missense variant.
Genome position (GRCh38, 1-based): chr1:11,956,979, C>A. VCF-style: chr1-11956979-C-A. GRCh37 (hg19) VCF-style: chr1-12017036-C-A.
Other names: c.847C>A, p.Leu283Ile (NM_001316320.2); short protein forms L283I, L236I.
Identifiers: ClinVar variation 3307803 (VCV003307803.1).
Genomic context (GRCh38, chr1:11,956,979, plus strand): 5'-GAGGTCGTGCTCAAGTTTGAAATGGGCCATGTGAGAGCGAGGAACCTGGCCTATGACACC[C>A]TCCCGGTCCTGATCCATGGCAACGGGCCAACCAAGGTAGGGGGTCCCCAGCCCCTGGGGA-3'
Protein context (NP_000293.2, residues 226-246): VRARNLAYDT[Leu236Ile]PVLIHGNGPT

ClinVar aggregate classification (germline): Uncertain significance (1 of 4 stars; one submission).

Conditions:
Familial thoracic aortic aneurysm and aortic dissection (TAAD). Also called: Thoracic aortic aneurysms and dissections. Identifiers: Orphanet 91387, MedGen C4707243, MONDO:0019625.

gnomAD v4.1: 2 of 1,613,806 alleles (0.00012%); highest among the groups gnomAD compares: Non-Finnish European, 0.00017%; no homozygotes.

Submission:

Ambry Genetics
Classification: Uncertain significance for Familial thoracic aortic aneurysm and aortic dissection. Last evaluated: 2024-05-22. Review status: criteria provided, single submitter. Criteria: Ambry Variant Classification Scheme 2023. Collection method: clinical testing. Allele origin: germline.
Comment: The p.L236I variant (also known as c.706C>A), located in coding exon 7 of the PLOD1 gene, results from a C to A substitution at nucleotide position 706. The leucine at codon 236 is replaced by isoleucine, an amino acid with highly similar properties. This amino acid position is conserved. In addition, the in silico prediction for this alteration is inconclusive. Based on the available evidence, the clinical significance of this variant remains unclear.